The following is an entry in ClinVar:

NM_015338.6(ASXL1):c.2038G>A (p.Gly680Ser)

Gene: ASXL1 (ASXL transcriptional regulator 1; plus strand). Cytogenetic location: 20q11.21.
Variant type: single nucleotide variant.
Coding change: c.2038G>A on transcript NM_015338.6 (MANE Select); coding-DNA position 2038, G replaced by A.
Protein change: p.Gly680Ser; replaces glycine 680 with serine.
Molecular consequence: missense variant.
Genome position (GRCh38, 1-based): chr20:32,434,750, G>A. VCF-style: chr20-32434750-G-A. GRCh37 (hg19) VCF-style: chr20-31022553-G-A.
Other names: c.1855G>A, p.Gly619Ser (NM_001363734.1); short protein forms G680S, G619S.
Identifiers: ClinVar variation 4589178 (VCV004589178.1).

ClinVar aggregate classification (germline): Uncertain significance (1 of 4 stars; one submission).

Conditions:
Inborn genetic diseases. Identifiers: MedGen C0950123, MeSH D030342.

Submission:

Ambry Genetics
Classification: Uncertain significance for Inborn genetic diseases. Last evaluated: 2025-12-14. Review status: criteria provided, single submitter. Criteria: Ambry Variant Classification Scheme 2023. Collection method: clinical testing. Allele origin: germline.
Comment: The p.G680S variant (also known as c.2038G>A), located in coding exon 13 of the ASXL1 gene, results from a G to A substitution at nucleotide position 2038. The glycine at codon 680 is replaced by serine, an amino acid with similar properties. This amino acid position is conserved. In addition, this alteration is predicted to be tolerated by in silico analysis. Based on the available evidence, the clinical significance of this variant remains unclear.